The following is an entry in ClinVar:

NM_001136193.2(FASTKD2):c.1388dup (p.Tyr463Ter)

Gene: FASTKD2 (FAST kinase domains 2; plus strand). Cytogenetic location: 2q33.3.
Variant type: Duplication.
Coding change: c.1388dup on transcript NM_001136193.2 (MANE Select); coding-DNA position 1388, one base duplicated (A; older notation c.1388dupA).
Protein change: p.Tyr463Ter; replaces tyrosine 463 with a stop codon.
Molecular consequence: nonsense.
Genome position (GRCh38, 1-based): chr2:206,774,358, A duplicated. VCF-style (leftmost placement, unchanged base first): chr2-206774357-T-TA. GRCh37 (hg19) VCF-style: chr2-207639081-T-TA.
Other names: c.1388dup, p.Tyr463Ter (NM_001136194.2, NM_014929.4); short protein forms Y463*.
Identifiers: ClinVar variation 2004947 (VCV002004947.4), dbSNP rs2468819358, ClinGen allele CA2580065481.

ClinVar aggregate classification (germline): Pathogenic (1 of 4 stars; one submission).

Submission:

Labcorp Genetics (formerly Invitae), Labcorp
Classification: Pathogenic. Last evaluated: 2024-03-20. Review status: criteria provided, single submitter. Criteria: Invitae Variant Classification Sherloc (09022015). Collection method: clinical testing. Allele origin: germline.
Comment: This sequence change creates a premature translational stop signal (p.Tyr463*) in the FASTKD2 gene. It is expected to result in an absent or disrupted protein product. Loss-of-function variants in FASTKD2 are known to be pathogenic (PMID: 18771761). This variant is not present in population databases (gnomAD no frequency). This variant has not been reported in the literature in individuals affected with FASTKD2-related conditions. ClinVar contains an entry for this variant (Variation ID: 2004947). Algorithms developed to predict the effect of sequence changes on RNA splicing suggest that this variant may disrupt the consensus splice site. For these reasons, this variant has been classified as Pathogenic.

Literature cited by the submitters: PubMed 18771761.